The following is an entry in ClinVar:

NM_000782.5(CYP24A1):c.449+2dup

Gene: CYP24A1 (cytochrome P450 family 24 subfamily A member 1; minus strand). Cytogenetic location: 20q13.2.
Variant type: Duplication.
Coding change: c.449+2dup on transcript NM_000782.5 (MANE Select); the canonical splice donor site of the intron after coding-DNA position 449, one base duplicated (T; older notation c.449+2dupT).
Molecular consequence: splice donor variant.
Genome position (GRCh38, 1-based): chr20:54,172,907, A duplicated on the plus strand (T on the coding strand, the reverse complement: CYP24A1 is on the minus strand). VCF-style (leftmost placement, unchanged base first): chr20-54172906-C-CA. GRCh37 (hg19) VCF-style: chr20-52789445-C-CA.
Other names: c.449+2dup (NM_001128915.2).
Identifiers: ClinVar variation 1033128 (VCV001033128.2), dbSNP rs2092698761, ClinGen allele CA2370271546.

ClinVar aggregate classification (germline): Uncertain significance (1 of 4 stars; one submission).

Conditions:
Hypercalcemia, infantile, 1 (HCINF1). Identifiers: Orphanet 300547, MedGen CN031131, MONDO:0020739, OMIM 143880.

Submission:

Baylor Genetics
Classification: Uncertain significance for Hypercalcemia, infantile, 1. Last evaluated: 2018-05-09. Review status: criteria provided, single submitter. Criteria: ACMG Guidelines, 2015. Collection method: clinical testing. Allele origin: paternal. Affected: yes.
Comment: This variant was determined to be of uncertain significance according to ACMG Guidelines, 2015 [PMID:25741868].